The following is an entry in ClinVar:

NM_020964.3(EPG5):c.1189A>G (p.Ile397Val)

Gene: EPG5 (ectopic P-granules 5 autophagy tethering factor; minus strand). Cytogenetic location: 18q21.1.
Variant type: single nucleotide variant.
Coding change: c.1189A>G on transcript NM_020964.3 (MANE Select); coding-DNA position 1189, A replaced by G.
Protein change: p.Ile397Val; replaces isoleucine 397 with valine.
Molecular consequence: missense variant.
Genome position (GRCh38, 1-based): chr18:45,952,463, T>C on the plus strand (A>G on the coding strand, the complement: EPG5 is on the minus strand). VCF-style: chr18-45952463-T-C. GRCh37 (hg19) VCF-style: chr18-43532429-T-C.
Other names: short protein forms I397V.
Identifiers: ClinVar variation 846846 (VCV000846846.8), dbSNP rs968213343, ClinGen allele CA299790674.

ClinVar aggregate classification (germline): Uncertain significance (1 of 4 stars; one submission).

Conditions:
Vici syndrome (VICIS). Identifiers: Orphanet 1493, MedGen C1855772, MONDO:0009452, OMIM 242840.

Allele frequency attached by ClinVar (database versions not stated): gnomAD exomes below 0.00001; gnomAD 0.00001; TOPMed 0.00001.
gnomAD v4.1: 3 of 1,614,078 alleles (0.00019%); highest among the groups gnomAD compares: Admixed American, 0.0017%; no homozygotes.

Submission:

Labcorp Genetics (formerly Invitae), Labcorp
Classification: Uncertain significance for Vici syndrome. Last evaluated: 2022-08-22. Review status: criteria provided, single submitter. Criteria: Invitae Variant Classification Sherloc (09022015). Collection method: clinical testing. Allele origin: germline.
Comment: This sequence change replaces isoleucine, which is neutral and non-polar, with valine, which is neutral and non-polar, at codon 397 of the EPG5 protein (p.Ile397Val). This variant is present in population databases (no rsID available, gnomAD 0.003%). This variant has not been reported in the literature in individuals affected with EPG5-related conditions. ClinVar contains an entry for this variant (Variation ID: 846846). Algorithms developed to predict the effect of missense changes on protein structure and function output the following: SIFT: "Tolerated"; PolyPhen-2: "Benign"; Align-GVGD: "Class C0". The valine amino acid residue is found in multiple mammalian species, which suggests that this missense change does not adversely affect protein function. In summary, the available evidence is currently insufficient to determine the role of this variant in disease. Therefore, it has been classified as a Variant of Uncertain Significance.